The following is an entry in ClinVar:

NM_000059.4(BRCA2):c.9771A>G (p.Lys3257=)

Gene: BRCA2 (BRCA2 DNA repair associated; plus strand). Cytogenetic location: 13q13.1.
Variant type: single nucleotide variant.
Coding change: c.9771A>G on transcript NM_000059.4 (MANE Select); coding-DNA position 9771, A replaced by G.
Protein change: p.Lys3257=; no amino-acid change (lysine 3257 retained).
Molecular consequence: synonymous variant.
Genome position (GRCh38, 1-based): chr13:32,398,284, A>G. VCF-style: chr13-32398284-A-G. GRCh37 (hg19) VCF-style: chr13-32972421-A-G.
Identifiers: ClinVar variation 1301392 (VCV001301392.12), dbSNP rs1363146360, ClinGen allele CA483440052.

ClinVar aggregate classification (germline): Likely benign. Review status: criteria provided, multiple submitters, no conflicts (2 of 4 stars). 4 submissions from 4 submitters: Likely benign (4). Last evaluated 2025-10-29.

Conditions:
Hereditary cancer-predisposing syndrome. Also called: Tumor predisposition; Neoplastic Syndromes, Hereditary; Hereditary Cancer Syndrome; Hereditary neoplastic syndrome. Identifiers: Orphanet 140162, MedGen C0027672, MeSH D009386, MONDO:0015356.
Hereditary breast ovarian cancer syndrome. Also called: Hereditary breast and ovarian cancer; Breast and ovarian cancer; Hereditary breast and ovarian cancer syndrome (HBOC); Hereditary breast and ovarian cancer syndrome; BRCA1- and BRCA2-Associated Hereditary Breast and Ovarian Cancer; Hereditary breast and/or ovarian cancer syndrome. Identifiers: Orphanet 145, MedGen C0677776, MeSH D061325, MONDO:0003582. Disease mechanism: loss of function.

Allele frequency attached by ClinVar (database versions not stated): gnomAD exomes below 0.00001; TOPMed below 0.00001.
gnomAD v4.1: 1 of 1,614,168 alleles (0.000062%); highest among the groups gnomAD compares: Non-Finnish European, 0.000085%; no homozygotes.

Submissions (4):

Labcorp Genetics (formerly Invitae), Labcorp
Classification: Likely benign for Hereditary breast ovarian cancer syndrome. Last evaluated: 2025-10-29. Review status: criteria provided, single submitter. Criteria: Invitae Variant Classification Sherloc (09022015). Collection method: clinical testing. Allele origin: germline.

Quest Diagnostics Nichols Institute San Juan Capistrano
Classification: Likely benign. Last evaluated: 2023-07-11. Review status: criteria provided, single submitter. Criteria: Quest Diagnostics criteria. Collection method: clinical testing. Allele origin: unknown.

Ambry Genetics
Classification: Likely benign for Hereditary cancer-predisposing syndrome. Last evaluated: 2021-10-18. Review status: criteria provided, single submitter. Criteria: Ambry Variant Classification Scheme 2023. Collection method: clinical testing. Allele origin: germline.

Women's Health and Genetics/Laboratory Corporation of America, LabCorp
Classification: Likely benign. Last evaluated: 2021-09-11. Review status: criteria provided, single submitter. Criteria: LabCorp Variant Classification Summary - May 2015. Collection method: clinical testing. Allele origin: germline.
Comment: Variant summary: BRCA2 c.9771A>G alters a non-conserved nucleotide resulting in a synonymous change. 4/4 computational tools predict no significant impact on normal splicing. However, these predictions have yet to be confirmed by functional studies. The variant allele was found at a frequency of 4e-06 in 251416 control chromosomes. The available data on variant occurrences in the general population are insufficient to allow any conclusion about variant significance. To our knowledge, no occurrence of c.9771A>G in individuals affected with Hereditary Breast And Ovarian Cancer Syndrome and no experimental evidence demonstrating its impact on protein function have been reported. No clinical diagnostic laboratories have submitted clinical-significance assessments for this variant to ClinVar after 2014. Based on the evidence outlined above, the variant was classified as likely benign.